The following is an entry in ClinVar:

NM_000179.3(MSH6):c.*9C>T

Gene: MSH6 (mutS homolog 6; plus strand). Cytogenetic location: 2p16.3.
Variant type: single nucleotide variant.
Coding change: c.*9C>T on transcript NM_000179.3 (MANE Select); 9 bases downstream of the stop codon, C replaced by T.
Molecular consequence: 3 prime UTR variant.
Genome position (GRCh38, 1-based): chr2:47,806,869, C>T. VCF-style: chr2-47806869-C-T. GRCh37 (hg19) VCF-style: chr2-48034008-C-T.
Other names: c.*9C>T (NM_001281492.2, NM_001281493.2, NM_001281494.2).
Identifiers: ClinVar variation 378174 (VCV000378174.2), dbSNP rs371301277, ClinGen allele CA073703.

ClinVar aggregate classification (germline): Benign/Likely benign. Review status: criteria provided, multiple submitters, no conflicts (2 of 4 stars). 2 submissions from 2 submitters: Benign (1); Likely benign (1). Last evaluated 2025-01-09.

Conditions:
Lynch syndrome 5 (LYNCH5). Also called: Colorectal cancer, hereditary nonpolyposis, type 5; Hereditary non-polyposis colorectal cancer, type 5. Identifiers: Orphanet 144, MedGen C1833477, MONDO:0013710, OMIM 614350. Disease mechanism: loss of function.

Allele frequency attached by ClinVar (database versions not stated): gnomAD 0.00004 and 0.00003; ExAC 0.00002; ESP Exome Variant Server 0.00008; gnomAD exomes 0.00001; TOPMed 0.00002.
gnomAD v4.1: 6 of 1,597,574 alleles (0.00038%); highest among the groups gnomAD compares: African/African-American, 0.0081%; no homozygotes.

Submissions (2):

Myriad Genetics, Inc.
Classification: Benign for Lynch syndrome 5. Last evaluated: 2025-01-09. Review status: criteria provided, single submitter. Criteria: Myriad Autosomal Dominant, Autosomal Recessive and X-Linked Classification Criteria (2023). Collection method: clinical testing. Allele origin: unknown.
Comment: This variant is considered benign. This variant occurs in the non-coding 3' untranslated region of the gene, and is not expected to impact protein function.

GeneDx
Classification: Likely benign. Last evaluated: 2016-12-02. Review status: criteria provided, single submitter. Criteria: GeneDx Variant Classification (06012015). Collection method: clinical testing. Allele origin: germline. Affected: yes.
Comment: This variant is considered likely benign or benign based on one or more of the following criteria: it is a conservative change, it occurs at a poorly conserved position in the protein, it is predicted to be benign by multiple in silico algorithms, and/or has population frequency not consistent with disease.